The following is an entry in ClinVar:

NM_000352.6(ABCC8):c.856dup (p.Ala286fs)

Gene: ABCC8 (ATP binding cassette subfamily C member 8; minus strand). Cytogenetic location: 11p15.1.
Variant type: Duplication.
Coding change: c.856dup on transcript NM_000352.6 (MANE Select); coding-DNA position 856, one base duplicated (G; older notation c.856dupG).
Protein change: p.Ala286fs; shifts the reading frame from alanine 286.
Molecular consequence: frameshift variant. On other transcripts: non-coding transcript variant (1).
Genome position (GRCh38, 1-based): chr11:17,460,643, C duplicated on the plus strand (G on the coding strand, the reverse complement: ABCC8 is on the minus strand); the first of 3 consecutive C bases (chr11:17,460,643-17,460,645); duplicating any one gives the same sequence. VCF-style (leftmost placement, unchanged base first): chr11-17460642-G-GC. GRCh37 (hg19) VCF-style: chr11-17482189-G-GC.
Other names: c.856dup, p.Ala286fs (NM_001287174.3, NM_001351295.2); c.853dup, p.Ala285fs (NM_001351296.2, NM_001351297.2); short protein forms A285fs, A286fs.
Identifiers: ClinVar variation 2122928 (VCV002122928.5), dbSNP rs2496845455, ClinGen allele CA2580082778.

ClinVar aggregate classification (germline): Pathogenic/Likely pathogenic. Review status: criteria provided, multiple submitters, no conflicts (2 of 4 stars). 2 submissions from 2 submitters: Pathogenic (1); Likely pathogenic (1). Last evaluated 2025-10-02.

Conditions:
Type 2 diabetes mellitus. Also called: Type II diabetes mellitus. Identifiers: MedGen C0011860, MeSH D003924, MONDO:0005148, OMIM 125853, HP:0005978.

Submissions (2):

Labcorp Genetics (formerly Invitae), Labcorp
Classification: Pathogenic. Last evaluated: 2025-10-02. Review status: criteria provided, single submitter. Criteria: Invitae Variant Classification Sherloc (09022015). Collection method: clinical testing. Allele origin: germline.
Comment: This sequence change creates a premature translational stop signal (p.Ala286Glyfs*97) in the ABCC8 gene. It is expected to result in an absent or disrupted protein product. Loss-of-function variants in ABCC8 are known to be pathogenic (PMID: 20685672, 23345197). This variant is not present in population databases (gnomAD no frequency). This variant has not been reported in the literature in individuals affected with ABCC8-related conditions. ClinVar contains an entry for this variant (Variation ID: 2122928). For these reasons, this variant has been classified as Pathogenic.

Baylor Genetics
Classification: Likely pathogenic for Type 2 diabetes mellitus. Last evaluated: 2023-03-06. Review status: criteria provided, single submitter. Criteria: ACMG Guidelines, 2015. Collection method: clinical testing. Allele origin: unknown.

Literature cited by the submitters: PubMed 20685672 (cited by Labcorp Genetics (formerly Invitae), Labcorp); PubMed 23345197 (cited by Labcorp Genetics (formerly Invitae), Labcorp).